The following is an entry in ClinVar:

ClinVar aggregate classification (germline): Likely pathogenic (1 of 4 stars; one submission).

Conditions:
Familial thoracic aortic aneurysm and aortic dissection (TAAD). Also called: Thoracic aortic aneurysms and dissections. Identifiers: Orphanet 91387, MedGen C4707243, MONDO:0019625.
Marfan syndrome (MFS). Also called: MARFAN SYNDROME, TYPE I; Marfan syndrome type 1; Marfan's syndrome; Marfan syndrome, classic; FBN1-Related Marfan Syndrome. Identifiers: Orphanet 284963, Orphanet 558, MedGen C0024796, MONDO:0007947, OMIM 154700.

Submission:

Labcorp Genetics (formerly Invitae), Labcorp
Classification: Likely pathogenic for Marfan syndrome; Familial thoracic aortic aneurysm and aortic dissection. Last evaluated: 2023-05-18. Review status: criteria provided, single submitter. Criteria: Invitae Variant Classification Sherloc (09022015). Collection method: clinical testing. Allele origin: germline.
Comment: This variant is not present in population databases (gnomAD no frequency). In summary, the currently available evidence indicates that the variant is pathogenic, but additional data are needed to prove that conclusively. Therefore, this variant has been classified as Likely Pathogenic. This variant disrupts the p.Cys1111 amino acid residue in FBN1. Other variant(s) that disrupt this residue have been observed in individuals with FBN1-related conditions (Invitae), which suggests that this may be a clinically significant amino acid residue. This variant affects a cysteine residue in the EGF-like, TGFBP or hybrid motif domains of FBN1. Cysteine residues are believed to be involved in intramolecular disulfide bridges and have been shown to be important for FBN1 protein structure (PMID: 16905551, 19349279). In addition, missense substitutions affecting cysteine residues within these domains are significantly overrepresented among patients with Marfan syndrome (PMID: 16571647, 17701892). Advanced modeling of protein sequence and biophysical properties (such as structural, functional, and spatial information, amino acid conservation, physicochemical variation, residue mobility, and thermodynamic stability) performed at Invitae indicates that this missense variant is expected to disrupt FBN1 protein function. ClinVar contains an entry for this variant (Variation ID: 2021355). This missense change has been observed in individual(s) with clinical features of Marfan syndrome (Invitae). This sequence change replaces cysteine, which is neutral and slightly polar, with serine, which is neutral and polar, at codon 1111 of the FBN1 protein (p.Cys1111Ser).

Literature cited by the submitters: PubMed 16905551; PubMed 19349279; PubMed 16571647; PubMed 17701892.

NM_000138.5(FBN1):c.3332G>C (p.Cys1111Ser)

Gene: FBN1 (fibrillin 1; minus strand). Cytogenetic location: 15q21.1.
Variant type: single nucleotide variant.
Coding change: c.3332G>C on transcript NM_000138.5 (MANE Select); coding-DNA position 3332, G replaced by C.
Protein change: p.Cys1111Ser; replaces cysteine 1111 with serine.
Molecular consequence: missense variant.
Genome position (GRCh38, 1-based): chr15:48,488,118, C>G on the plus strand (G>C on the coding strand, the complement: FBN1 is on the minus strand). VCF-style: chr15-48488118-C-G. GRCh37 (hg19) VCF-style: chr15-48780315-C-G.
Other names: c.3332G>C, p.Cys1111Ser (NM_001406716.1); short protein forms C1111S.
Identifiers: ClinVar variation 2021355 (VCV002021355.4), dbSNP rs1566909766, ClinGen allele CA392326984.
Genomic context (GRCh38, chr15:48,488,118, plus strand): 5'-CAAAGCTTCATGGAATCCTTCTCTTTCTGTGTTGATCAAATGATCCCAAACTTACCCATG[C>G]AGTTCTTCATCATCATGAATCCACTTTCATAGCCTTCGTCACACTTGCATTCAAAGTCCC-3'
Protein context (NP_000129.3, residues 1101-1121): YESGFMMMKN[Cys1111Ser]MDIDECQRDP